The following is an entry in ClinVar:

NM_000631.5(NCF4):c.32+3G>A

Genes: NCF4 (neutrophil cytosolic factor 4; plus strand), NCF4-AS1 (NCF4 antisense RNA 1; minus strand). Cytogenetic location: 22q12.3.
Variant type: single nucleotide variant.
Coding change: c.32+3G>A on transcript NM_000631.5 (MANE Select); 3 bases into the intron after coding-DNA position 32, G replaced by A.
Molecular consequence: intron variant.
Genome position (GRCh38, 1-based): chr22:36,861,206, G>A. VCF-style: chr22-36861206-G-A. GRCh37 (hg19) VCF-style: chr22-37257248-G-A.
Other names: c.32+3G>A (NM_013416.4).
Identifiers: ClinVar variation 1378028 (VCV001378028.6), dbSNP rs1168349983, ClinGen allele CA2573158110.
Genomic context (GRCh38, chr22:36,861,206, plus strand): 5'-CCTGCTCCCTGGGACCATCGCCCACCATGGCTGTGGCCCAGCAGCTGCGGGCCGAGAGGT[G>A]AGTGCCGGGGTGTGGCCGCCCCCGGGCCTTCTCACTGCTCCTCATAGGCCTTAGGGACAA-3'

ClinVar aggregate classification (germline): Uncertain significance (1 of 4 stars; one submission).

Conditions:
Granulomatous disease, chronic, autosomal recessive, cytochrome b-positive, type 3. Also called: GRANULOMATOUS DISEASE, CHRONIC, DUE TO NCF4 DEFICIENCY; Granulomatous disease, chronic, autosomal recessive, cytochrome b-positive, type III; GRANULOMATOUS DISEASE, CHRONIC, AUTOSOMAL RECESSIVE, 3; CGD, AUTOSOMAL RECESSIVE CYTOCHROME b-POSITIVE, TYPE III. Identifiers: Orphanet 379, MedGen C3151409, MONDO:0013507, OMIM 613960.

Allele frequency attached by ClinVar (database versions not stated): gnomAD exomes below 0.00001.

Submission:

Labcorp Genetics (formerly Invitae), Labcorp
Classification: Uncertain significance for Granulomatous disease, chronic, autosomal recessive, cytochrome b-positive, type 3. Last evaluated: 2021-08-04. Review status: criteria provided, single submitter. Criteria: Invitae Variant Classification Sherloc (09022015). Collection method: clinical testing. Allele origin: germline.
Comment: In summary, the available evidence is currently insufficient to determine the role of this variant in disease. Therefore, it has been classified as a Variant of Uncertain Significance. Nucleotide substitutions within the consensus splice site are a relatively common cause of aberrant splicing (PMID: 17576681, 9536098). Algorithms developed to predict the effect of sequence changes on RNA splicing suggest that this variant is not likely to affect RNA splicing. This variant has not been reported in the literature in individuals affected with NCF4-related conditions. This variant is not present in population databases (ExAC no frequency). This sequence change falls in intron 1 of the NCF4 gene. It does not directly change the encoded amino acid sequence of the NCF4 protein. It affects a nucleotide within the consensus splice site of the intron.

Literature cited by the submitters: PubMed 17576681; PubMed 9536098.